The following is an entry in ClinVar:

NM_006922.4(SCN3A):c.3134T>C (p.Ile1045Thr)

Gene: SCN3A (sodium voltage-gated channel alpha subunit 3; minus strand). Cytogenetic location: 2q24.3.
Variant type: single nucleotide variant.
Coding change: c.3134T>C on transcript NM_006922.4 (MANE Select); coding-DNA position 3134, T replaced by C.
Protein change: p.Ile1045Thr; replaces isoleucine 1045 with threonine.
Molecular consequence: missense variant.
Genome position (GRCh38, 1-based): chr2:165,127,890, A>G on the plus strand (T>C on the coding strand, the complement: SCN3A is on the minus strand). VCF-style: chr2-165127890-A-G. GRCh37 (hg19) VCF-style: chr2-165984400-A-G.
Other names: c.2987T>C, p.Ile996Thr (NM_001081676.2, NM_001081677.2); short protein forms I1045T, I996T.
Identifiers: ClinVar variation 852287 (VCV000852287.10), dbSNP rs770856198, ClinGen allele CA1938849.

ClinVar aggregate classification (germline): Uncertain significance. Review status: criteria provided, multiple submitters, no conflicts (2 of 4 stars). 2 submissions from 2 submitters: Uncertain significance (2). Last evaluated 2024-10-03.

Conditions:
SCN3A-related disorder. Also called: SCN3A-related condition.

Allele frequency attached by ClinVar (database versions not stated): TOPMed below 0.00001; ExAC 0.00001; gnomAD 0.00001; gnomAD exomes 0.00001.
gnomAD v4.1: 5 of 1,614,022 alleles (0.00031%); highest among the groups gnomAD compares: Non-Finnish European, 0.00034%; no homozygotes.

Submissions (2):

PreventionGenetics, part of Exact Sciences
Classification: Uncertain significance for SCN3A-related condition. Last evaluated: 2024-10-03. Review status: criteria provided, single submitter. Criteria: ACMG Guidelines, 2015. Collection method: clinical testing. Allele origin: germline.
Comment: The SCN3A c.3134T>C variant is predicted to result in the amino acid substitution p.Ile1045Thr. To our knowledge, this variant has not been reported in the literature or in a large population database (gnomAD), indicating this variant is rare. At this time, the clinical significance of this variant is uncertain due to the absence of conclusive functional and genetic evidence.

Labcorp Genetics (formerly Invitae), Labcorp
Classification: Uncertain significance. Last evaluated: 2024-02-10. Review status: criteria provided, single submitter. Criteria: Invitae Variant Classification Sherloc (09022015). Collection method: clinical testing. Allele origin: germline.
Comment: This sequence change replaces isoleucine, which is neutral and non-polar, with threonine, which is neutral and polar, at codon 1045 of the SCN3A protein (p.Ile1045Thr). This variant is present in population databases (rs770856198, gnomAD 0.0009%). This variant has not been reported in the literature in individuals affected with SCN3A-related conditions. ClinVar contains an entry for this variant (Variation ID: 852287). Advanced modeling of protein sequence and biophysical properties (such as structural, functional, and spatial information, amino acid conservation, physicochemical variation, residue mobility, and thermodynamic stability) performed at Invitae indicates that this missense variant is not expected to disrupt SCN3A protein function with a negative predictive value of 95%. In summary, the available evidence is currently insufficient to determine the role of this variant in disease. Therefore, it has been classified as a Variant of Uncertain Significance.